The following is an entry in ClinVar:

NM_000091.5(COL4A3):c.856G>A (p.Glu286Lys)

Genes: COL4A3 (collagen type IV alpha 3 chain; plus strand), MFF-DT (MFF divergent transcript; minus strand). Cytogenetic location: 2q36.3.
Variant type: single nucleotide variant.
Coding change: c.856G>A on transcript NM_000091.5 (MANE Select); coding-DNA position 856, G replaced by A.
Protein change: p.Glu286Lys; replaces glutamic acid 286 with lysine.
Molecular consequence: missense variant.
Genome position (GRCh38, 1-based): chr2:227,254,683, G>A. VCF-style: chr2-227254683-G-A. GRCh37 (hg19) VCF-style: chr2-228119399-G-A.
Other names: short protein forms E286K.
Identifiers: ClinVar variation 3369815 (VCV003369815.1).

ClinVar aggregate classification (germline): Uncertain significance (1 of 4 stars; one submission).

gnomAD v4.1: 1 of 1,613,616 alleles (0.000062%); highest among the groups gnomAD compares: Non-Finnish European, 0.000085%; no homozygotes.

Submission:

GeneDx
Classification: Uncertain significance. Last evaluated: 2024-04-22. Review status: criteria provided, single submitter. Criteria: GeneDx Variant Classification Process June 2021. Collection method: clinical testing. Allele origin: germline. Affected: yes.
Comment: Not observed at significant frequency in large population cohorts (gnomAD); In silico analysis indicates that this missense variant does not alter protein structure/function; Has not been previously published as pathogenic or benign to our knowledge; Occurs in the triple helical domain within an interruption of the canonical Gly-X-Y repeat